The following is an entry in ClinVar:

ClinVar aggregate classification (germline): Uncertain significance (1 of 4 stars; one submission).

gnomAD v4.1: 1 of 1,614,118 alleles (0.000062%); highest among the groups gnomAD compares: African/African-American, 0.0013%; no homozygotes.

Submission:

CeGaT Center for Human Genetics Tuebingen
Classification: Uncertain significance. Last evaluated: 2025-11-01. Review status: criteria provided, single submitter. Criteria: CeGaT Center For Human Genetics Tuebingen Variant Classification Criteria Version 2. Collection method: clinical testing. Allele origin: germline. Affected: yes. Observed: 1 variant allele.
Comment: MYH2: PM2:Supporting, BP4

NM_017534.6(MYH2):c.1992G>A (p.Leu664=)

Genes: MYH2 (myosin heavy chain 2; minus strand), MYHAS (myosin heavy chain gene cluster antisense RNA; plus strand). Cytogenetic location: 17p13.1.
Variant type: single nucleotide variant.
Coding change: c.1992G>A on transcript NM_017534.6 (MANE Select); coding-DNA position 1992, G replaced by A.
Protein change: p.Leu664=; no amino-acid change (leucine 664 retained).
Molecular consequence: synonymous variant.
Genome position (GRCh38, 1-based): chr17:10,535,348, C>T on the plus strand (G>A on the coding strand, the complement: MYH2 is on the minus strand). VCF-style: chr17-10535348-C-T. GRCh37 (hg19) VCF-style: chr17-10438665-C-T.
Other names: c.1992G>A, p.Leu664= (NM_001100112.2).
Identifiers: ClinVar variation 4681816 (VCV004681816.5).